The following is an entry in ClinVar:

NM_004360.5(CDH1):c.906C>G (p.Tyr302Ter)

Gene: CDH1 (cadherin 1; plus strand). Cytogenetic location: 16q22.1.
Variant type: single nucleotide variant.
Coding change: c.906C>G on transcript NM_004360.5 (MANE Select); coding-DNA position 906, C replaced by G.
Protein change: p.Tyr302Ter; replaces tyrosine 302 with a stop codon.
Molecular consequence: nonsense. On other transcripts: 5 prime UTR variant (2).
Genome position (GRCh38, 1-based): chr16:68,811,757, C>G. VCF-style: chr16-68811757-C-G. GRCh37 (hg19) VCF-style: chr16-68845660-C-G.
Other names: c.906C>G, p.Tyr302Ter (NM_001317184.2); c.-710C>G (NM_001317185.2); c.-914C>G (NM_001317186.2); short protein forms Y302*.
Identifiers: ClinVar variation 5033891 (VCV005033891.1).

ClinVar aggregate classification (germline): Pathogenic (1 of 4 stars; one submission).

Conditions:
Hereditary cancer-predisposing syndrome. Also called: Neoplastic Syndromes, Hereditary; Tumor predisposition; Hereditary neoplastic syndrome; Hereditary Cancer Syndrome. Identifiers: Orphanet 140162, MedGen C0027672, MeSH D009386, MONDO:0015356.

Submission:

Ambry Genetics
Classification: Pathogenic for Hereditary cancer-predisposing syndrome. Last evaluated: 2026-07-06. Review status: criteria provided, single submitter. Criteria: Ambry Variant Classification Scheme 2023. Collection method: clinical testing. Allele origin: germline.
Comment: The p.Y302* variant (also known as c.906C>G), located in coding exon 7 of the CDH1 gene, results from a C to G substitution at nucleotide position 906. This changes the amino acid from a tyrosine to a stop codon within coding exon 7. This variant is considered to be rare based on population cohorts in the Genome Aggregation Database (gnomAD). This alteration is expected to result in loss of function by premature protein truncation or nonsense-mediated mRNA decay. As such, this alteration is interpreted as a disease-causing mutation.